The following is an entry in ClinVar:

NM_022829.6(SLC13A3):c.1388C>T (p.Pro463Leu)

Gene: SLC13A3 (solute carrier family 13 member 3; minus strand). Cytogenetic location: 20q13.12.
Variant type: single nucleotide variant.
Coding change: c.1388C>T on transcript NM_022829.6 (MANE Select); coding-DNA position 1388, C replaced by T.
Protein change: p.Pro463Leu; replaces proline 463 with leucine.
Molecular consequence: missense variant.
Genome position (GRCh38, 1-based): chr20:46,566,335, G>A on the plus strand (C>T on the coding strand, the complement: SLC13A3 is on the minus strand). VCF-style: chr20-46566335-G-A. GRCh37 (hg19) VCF-style: chr20-45194974-G-A.
Other names: c.1247C>T, p.Pro416Leu (NM_001011554.3); c.1238C>T, p.Pro413Leu (NM_001193339.2); c.1142C>T, p.Pro381Leu (NM_001193340.2); c.1094C>T, p.Pro365Leu (NM_001193342.2); short protein forms P381L, P463L, P416L, P365L, P413L.
Identifiers: ClinVar variation 1972025 (VCV001972025.5), dbSNP rs760766533, ClinGen allele CA315709181.

ClinVar aggregate classification (germline): Uncertain significance (1 of 4 stars; one submission).

gnomAD v4.1: 1 of 1,612,740 alleles (0.000062%); highest among the groups gnomAD compares: Non-Finnish European, 0.000085%; no homozygotes.

Submission:

Labcorp Genetics (formerly Invitae), Labcorp
Classification: Uncertain significance. Last evaluated: 2022-05-25. Review status: criteria provided, single submitter. Criteria: Invitae Variant Classification Sherloc (09022015). Collection method: clinical testing. Allele origin: germline.
Comment: In summary, the available evidence is currently insufficient to determine the role of this variant in disease. Therefore, it has been classified as a Variant of Uncertain Significance. Algorithms developed to predict the effect of missense changes on protein structure and function are either unavailable or do not agree on the potential impact of this missense change (SIFT: "Deleterious"; PolyPhen-2: "Probably Damaging"; Align-GVGD: "Class C0"). This variant has not been reported in the literature in individuals affected with SLC13A3-related conditions. This variant is not present in population databases (gnomAD no frequency). This sequence change replaces proline, which is neutral and non-polar, with leucine, which is neutral and non-polar, at codon 463 of the SLC13A3 protein (p.Pro463Leu).